The following is an entry in ClinVar:

NM_000419.5(ITGA2B):c.1378G>C (p.Asp460His)

Gene: ITGA2B (integrin subunit alpha 2b; minus strand). Cytogenetic location: 17q21.31.
Variant type: single nucleotide variant.
Coding change: c.1378G>C on transcript NM_000419.5 (MANE Select); coding-DNA position 1378, G replaced by C.
Protein change: p.Asp460His; replaces aspartic acid 460 with histidine.
Molecular consequence: missense variant.
Genome position (GRCh38, 1-based): chr17:44,380,894, C>G on the plus strand (G>C on the coding strand, the complement: ITGA2B is on the minus strand). VCF-style: chr17-44380894-C-G. GRCh37 (hg19) VCF-style: chr17-42458262-C-G.
Other names: short protein forms D460H.
Identifiers: ClinVar variation 1897513 (VCV001897513.5), dbSNP rs200018801, ClinGen allele CA8603154.

ClinVar aggregate classification (germline): Uncertain significance (1 of 4 stars; one submission).

Conditions:
Glanzmann thrombasthenia. Also called: Glanzmann's thrombasthenia; BLEEDING DISORDER, PLATELET-TYPE, 2; THROMBASTHENIA OF GLANZMANN AND NAEGELI; Thrombasthenia; PLATELET GLYCOPROTEIN IIb-IIIa DEFICIENCY. Identifiers: Orphanet 849, MedGen C0040015, MONDO:0100326.

Allele frequency attached by ClinVar (database versions not stated): gnomAD 0.00002; gnomAD exomes 0.00006; ExAC 0.00011; 1000 Genomes Project 0.00020; 1000 Genomes Project 30x 0.00031.

Submission:

Labcorp Genetics (formerly Invitae), Labcorp
Classification: Uncertain significance for Glanzmann thrombasthenia. Last evaluated: 2025-05-25. Review status: criteria provided, single submitter. Criteria: Invitae Variant Classification Sherloc (09022015). Collection method: clinical testing. Allele origin: germline.
Comment: This sequence change replaces aspartic acid, which is acidic and polar, with histidine, which is basic and polar, at codon 460 of the ITGA2B protein (p.Asp460His). This variant is present in population databases (rs200018801, gnomAD 0.09%). This variant has not been reported in the literature in individuals affected with ITGA2B-related conditions. ClinVar contains an entry for this variant (Variation ID: 1897513). Invitae Evidence Modeling of protein sequence and biophysical properties (such as structural, functional, and spatial information, amino acid conservation, physicochemical variation, residue mobility, and thermodynamic stability) has been performed for this missense variant. However, the output from this modeling did not meet the statistical confidence thresholds required to predict the impact of this variant on ITGA2B protein function. In summary, the available evidence is currently insufficient to determine the role of this variant in disease. Therefore, it has been classified as a Variant of Uncertain Significance.